The following is an entry in ClinVar:

NM_024675.4(PALB2):c.108+9A>G

Gene: PALB2 (partner and localizer of BRCA2; minus strand). Cytogenetic location: 16p12.2.
Variant type: single nucleotide variant.
Coding change: c.108+9A>G on transcript NM_024675.4 (MANE Select); 9 bases into the intron after coding-DNA position 108, A replaced by G.
Molecular consequence: intron variant.
Genome position (GRCh38, 1-based): chr16:23,638,061, T>C on the plus strand (A>G on the coding strand, the complement: PALB2 is on the minus strand). VCF-style: chr16-23638061-T-C. GRCh37 (hg19) VCF-style: chr16-23649382-T-C.
Identifiers: ClinVar variation 422441 (VCV000422441.11), dbSNP rs1064795783, ClinGen allele CA16620164.

ClinVar aggregate classification (germline): Conflicting classifications of pathogenicity. Review status: criteria provided, conflicting classifications (1 of 4 stars). 2 submissions from 2 submitters: Uncertain significance (1); Likely benign (1). Last evaluated 2023-09-12.

Conditions:
Familial cancer of breast. Also called: Hereditary breast cancer; BREAST CANCER, FAMILIAL; hereditary breast carcinoma. Identifiers: Orphanet 227535, MedGen C0346153, MONDO:0016419, OMIM 114480. Disease mechanism: loss of function.

Submissions (2):

Labcorp Genetics (formerly Invitae), Labcorp
Classification: Likely benign for Familial cancer of breast. Last evaluated: 2023-09-12. Review status: criteria provided, single submitter. Criteria: Invitae Variant Classification Sherloc (09022015). Collection method: clinical testing. Allele origin: germline.

GeneDx
Classification: Uncertain significance. Last evaluated: 2016-10-04. Review status: criteria provided, single submitter. Criteria: GeneDx Variant Classification (06012015). Collection method: clinical testing. Allele origin: germline. Affected: yes.
Comment: This variant is denoted PALB2 c.108+9A>G or IVS2+9A>G and consists of an A>G nucleotide substitution at the +9 position of intron 2 of the PALB2 gene. Multiple in silico models predict this variant to destroy the nearby natural donor site and to possibly cause abnormal gene splicing; however, in the absence of RNA or functional studies, the actual effect of this variant is unknown. This variant has not, to our knowledge, been published in the literature as pathogenic or benign. PALB2 c.108+9A>G was not observed in approximately 6,500 individuals of European and African American ancestry in the NHLBI Exome Sequencing Project, suggesting it is not a common benign variant in these populations. The adenine (A) nucleotide that is altered is not conserved across species. Based on currently available information, it is unclear whether PALB2 c.108+9A>G is pathogenic or benign. We consider it to be a variant of uncertain significance.